The following is an entry in ClinVar:

ClinVar aggregate classification (germline): Pathogenic (1 of 4 stars; one submission).

Conditions:
Osteogenesis imperfecta type I (OI1). Also called: OI, TYPE I; OSTEOGENESIS IMPERFECTA TARDA; OSTEOGENESIS IMPERFECTA WITH BLUE SCLERAE; Osteogenesis imperfecta type 1; Lobstein's Disease; Lobstein disease. Identifiers: Orphanet 216796, Orphanet 666, MedGen C0023931, MONDO:0008146, OMIM 166200. Disease mechanism: loss of function.

Submission:

Labcorp Genetics (formerly Invitae), Labcorp
Classification: Pathogenic for Osteogenesis imperfecta type I. Last evaluated: 2023-08-23. Review status: criteria provided, single submitter. Criteria: Invitae Variant Classification Sherloc (09022015). Collection method: clinical testing. Allele origin: germline.
Comment: This sequence change creates a premature translational stop signal (p.Ile60Argfs*15) in the COL1A1 gene. It is expected to result in an absent or disrupted protein product. Loss-of-function variants in COL1A1 are known to be pathogenic (PMID: 7942841, 9295084, 9443882). This variant is not present in population databases (gnomAD no frequency). This variant has not been reported in the literature in individuals affected with COL1A1-related conditions. For these reasons, this variant has been classified as Pathogenic.

Literature cited by the submitters: PubMed 7942841; PubMed 9295084; PubMed 9443882.

NM_000088.4(COL1A1):c.177_178dup (p.Ile60fs)

Gene: COL1A1 (collagen type I alpha 1 chain; minus strand). Cytogenetic location: 17q21.33.
Variant type: Duplication.
Coding change: c.177_178dup on transcript NM_000088.4 (MANE Select); coding-DNA positions 177 to 178, 2 bases duplicated (GA; older notation c.177_178dupGA).
Protein change: p.Ile60fs; shifts the reading frame from isoleucine 60.
Molecular consequence: frameshift variant.
Genome position (GRCh38, 1-based): chr17:50,199,873-50,199,874, TC duplicated on the plus strand (GA on the coding strand, the reverse complement: COL1A1 is on the minus strand). VCF-style (leftmost placement, unchanged base first): chr17-50199872-A-ATC. GRCh37 (hg19) VCF-style: chr17-48277233-A-ATC.
Other names: short protein forms I60fs.
Identifiers: ClinVar variation 2831001 (VCV002831001.3), dbSNP rs2509259051, ClinGen allele CA2739268238.